The following is an entry in ClinVar:

NM_015047.3(EMC1):c.2033A>T (p.Gln678Leu)

Genes: EMC1 (ER membrane protein complex subunit 1; minus strand), EMC1-AS1 (EMC1 antisense RNA 1; plus strand). Cytogenetic location: 1p36.13.
Variant type: single nucleotide variant.
Coding change: c.2033A>T on transcript NM_015047.3 (MANE Select); coding-DNA position 2033, A replaced by T.
Protein change: p.Gln678Leu; replaces glutamine 678 with leucine.
Molecular consequence: missense variant.
Genome position (GRCh38, 1-based): chr1:19,230,875, T>A on the plus strand (A>T on the coding strand, the complement: EMC1 is on the minus strand). VCF-style: chr1-19230875-T-A. GRCh37 (hg19) VCF-style: chr1-19557369-T-A.
Other names: c.2030A>T, p.Gln677Leu (NM_001271427.2, NM_001271428.2); c.1967A>T, p.Gln656Leu (NM_001271429.2); c.2042A>T, p.Gln681Leu (NM_001375820.1); c.2039A>T, p.Gln680Leu (NM_001375821.1); short protein forms Q678L, Q681L, Q656L, Q677L, Q680L.
Identifiers: ClinVar variation 2957937 (VCV002957937.3), dbSNP rs2093515930, ClinGen allele CA338758410.
Genomic context (GRCh38, chr1:19,230,875, plus strand): 5'-AAGGGTTGTGCCAGGACATGCCTTCCTACCTTTCGAAGCCGATATCCACACAGCCGTCCC[T>A]GCTCTGCATCCACCAAATAGAAGAAGATGGAAGGGGCAAGCTCATGTAGCTGTCGCAAGA-3'
Protein context (NP_055862.1, residues 668-688): SIFFYLVDAE[Gln678Leu]GRLCGYRLRK

ClinVar aggregate classification (germline): Uncertain significance (1 of 4 stars; one submission).

Allele frequency attached by ClinVar (database versions not stated): gnomAD exomes below 0.00001; TOPMed 0.00001; gnomAD 0.00001.
gnomAD v4.1: 2 of 1,614,120 alleles (0.00012%); highest among the groups gnomAD compares: Admixed American, 0.0017%; no homozygotes.

Submission:

Labcorp Genetics (formerly Invitae), Labcorp
Classification: Uncertain significance. Last evaluated: 2025-09-05. Review status: criteria provided, single submitter. Criteria: Invitae Variant Classification Sherloc (09022015). Collection method: clinical testing. Allele origin: germline.
Comment: This sequence change replaces glutamine, which is neutral and polar, with leucine, which is neutral and non-polar, at codon 678 of the EMC1 protein (p.Gln678Leu). This variant is not present in population databases (gnomAD no frequency). This variant has not been reported in the literature in individuals affected with EMC1-related conditions. ClinVar contains an entry for this variant (Variation ID: 2957937). Invitae Evidence Modeling of protein sequence and biophysical properties (such as structural, functional, and spatial information, amino acid conservation, physicochemical variation, residue mobility, and thermodynamic stability) indicates that this missense variant is not expected to disrupt EMC1 protein function with a negative predictive value of 80%. In summary, the available evidence is currently insufficient to determine the role of this variant in disease. Therefore, it has been classified as a Variant of Uncertain Significance.